The following is an entry in ClinVar:

ClinVar aggregate classification (germline): Likely benign (0 of 4 stars; one submission).

Conditions:
MEPE-related disorder. Also called: MEPE-related condition.

Submission:

PreventionGenetics, part of Exact Sciences
Classification: Likely benign for MEPE-related condition. Last evaluated: 2024-08-27. Review status: no assertion criteria provided. Collection method: clinical testing. Allele origin: germline.
Comment: This variant is classified as likely benign based on ACMG/AMP sequence variant interpretation guidelines (Richards et al. 2015 PMID: 25741868, with internal and published modifications).

NM_020203.6(MEPE):c.108+1064C>G

Genes: MEPE (matrix extracellular phosphoglycoprotein; plus strand), MEPE-AS1 (MEPE and IBSP antisense RNA 1; minus strand). Cytogenetic location: 4q22.1.
Variant type: single nucleotide variant.
Coding change: c.108+1064C>G on transcript NM_020203.6 (MANE Select); 1064 bases into the intron after coding-DNA position 108, C replaced by G.
Molecular consequence: intron variant. On other transcripts: 5 prime UTR variant (1), missense variant (1).
Genome position (GRCh38, 1-based): chr4:87,839,749, C>G. VCF-style: chr4-87839749-C-G. GRCh37 (hg19) VCF-style: chr4-88760901-C-G.
Other names: c.-366C>G (NM_001184697.2); c.173C>G, p.Pro58Arg (NM_001291183.2); c.108+1064C>G (NM_001184694.3); c.-359-178C>G (NM_001184696.2); c.-337-178C>G (NM_001184695.4); short protein forms P58R.
Identifiers: ClinVar variation 3352748 (VCV003352748.1).